The following is an entry in ClinVar:

NM_001040142.2(SCN2A):c.5782G>A (p.Val1928Ile)

Gene: SCN2A (sodium voltage-gated channel alpha subunit 2; plus strand). Cytogenetic location: 2q24.3.
Variant type: single nucleotide variant.
Coding change: c.5782G>A on transcript NM_001040142.2 (MANE Select); coding-DNA position 5782, G replaced by A.
Protein change: p.Val1928Ile; replaces valine 1928 with isoleucine.
Molecular consequence: missense variant.
Genome position (GRCh38, 1-based): chr2:165,389,588, G>A. VCF-style: chr2-165389588-G-A. GRCh37 (hg19) VCF-style: chr2-166246098-G-A.
Other names: c.5782G>A, p.Val1928Ile (NM_001040143.2, NM_001371246.1, NM_001371247.1 and 1 more transcripts); short protein forms V1928I.
Identifiers: ClinVar variation 4056317 (VCV004056317.1).

ClinVar aggregate classification (germline): Likely benign (1 of 4 stars; one submission).

Conditions:
Developmental and epileptic encephalopathy, 11 (DEE11). Also called: Early infantile epileptic encephalopathy 11. Identifiers: Orphanet 1934, MedGen C3150987, MONDO:0013388, OMIM 613721.

gnomAD v4.1: 1 of 1,613,880 alleles (0.000062%); highest among the groups gnomAD compares: Non-Finnish European, 0.000085%; no homozygotes.

Submission:

Institute of Human Genetics, University of Leipzig Medical Center
Classification: Likely benign for Developmental and epileptic encephalopathy, 11. Last evaluated: 2025-06-17. Review status: criteria provided, single submitter. Criteria: ACMG Guidelines, 2015. Collection method: clinical testing. Allele origin: unknown. Inheritance: Autosomal dominant inheritance. Affected: yes.
Comment: Criteria applied: BS2,BP4